The following is an entry in ClinVar:

ClinVar aggregate classification (germline): Uncertain significance (1 of 4 stars; one submission).

gnomAD v4.1: 10 of 1,613,950 alleles (0.00062%); highest among the groups gnomAD compares: Admixed American, 0.015%; no homozygotes.

Submission:

Labcorp Genetics (formerly Invitae), Labcorp
Classification: Uncertain significance. Last evaluated: 2025-03-25. Review status: criteria provided, single submitter. Criteria: Invitae Variant Classification Sherloc (09022015). Collection method: clinical testing. Allele origin: germline.
Comment: This sequence change replaces tryptophan, which is neutral and slightly polar, with cysteine, which is neutral and slightly polar, at codon 387 of the LSS protein (p.Trp387Cys). This variant is present in population databases (rs767381288, gnomAD 0.02%). This variant has not been reported in the literature in individuals affected with LSS-related conditions. An algorithm developed to predict the effect of missense changes on protein structure and function (PolyPhen-2) suggests that this variant is likely to be disruptive. In summary, the available evidence is currently insufficient to determine the role of this variant in disease. Therefore, it has been classified as a Variant of Uncertain Significance.

NM_002340.6(LSS):c.1161G>C (p.Trp387Cys)

Gene: LSS (lanosterol synthase; minus strand). Cytogenetic location: 21q22.3.
Variant type: single nucleotide variant.
Coding change: c.1161G>C on transcript NM_002340.6 (MANE Select); coding-DNA position 1161, G replaced by C.
Protein change: p.Trp387Cys; replaces tryptophan 387 with cysteine.
Molecular consequence: missense variant.
Genome position (GRCh38, 1-based): chr21:46,210,721, C>G on the plus strand (G>C on the coding strand, the complement: LSS is on the minus strand). VCF-style: chr21-46210721-C-G. GRCh37 (hg19) VCF-style: chr21-47630635-C-G.
Other names: c.1161G>C, p.Trp387Cys (NM_001001438.3); c.1128G>C, p.Trp376Cys (NM_001145436.2); c.921G>C, p.Trp307Cys (NM_001145437.2); short protein forms W376C, W387C, W307C.
Identifiers: ClinVar variation 3694885 (VCV003694885.2).